The following is an entry in ClinVar:

NM_024642.5(GALNT12):c.163A>C (p.Thr55Pro)

Gene: GALNT12 (polypeptide N-acetylgalactosaminyltransferase 12; plus strand). Cytogenetic location: 9q22.33.
Variant type: single nucleotide variant.
Coding change: c.163A>C on transcript NM_024642.5 (MANE Select); coding-DNA position 163, A replaced by C.
Protein change: p.Thr55Pro; replaces threonine 55 with proline.
Molecular consequence: missense variant.
Genome position (GRCh38, 1-based): chr9:98,807,861, A>C. VCF-style: chr9-98807861-A-C. GRCh37 (hg19) VCF-style: chr9-101570143-A-C.
Other names: short protein forms T55P.
Identifiers: ClinVar variation 2561006 (VCV002561006.2), dbSNP rs1007797317, ClinGen allele CA196833802.

ClinVar aggregate classification (germline): Uncertain significance (1 of 4 stars; one submission).

Allele frequency attached by ClinVar (database versions not stated): gnomAD exomes below 0.00001.
gnomAD v4.1: 1 of 1,009,686 alleles (0.000099%); highest among the groups gnomAD compares: Non-Finnish European, 0.00012%; no homozygotes.

Submission:

Ambry Genetics
Classification: Uncertain significance. Last evaluated: 2023-05-14. Review status: criteria provided, single submitter. Criteria: Ambry Variant Classification Scheme 2023. Collection method: clinical testing. Allele origin: germline.
Comment: The p.T55P variant (also known as c.163A>C), located in coding exon 1 of the GALNT12 gene, results from an A to C substitution at nucleotide position 163. The threonine at codon 55 is replaced by proline, an amino acid with highly similar properties. This amino acid position is conserved. In addition, this alteration is predicted to be tolerated by in silico analysis. Since supporting evidence is limited at this time, the clinical significance of this alteration remains unclear.